The following is an entry in ClinVar:

ClinVar aggregate classification (germline): Conflicting classifications of pathogenicity. Review status: criteria provided, conflicting classifications (1 of 4 stars). 7 submissions from 7 submitters: Uncertain significance (1); Likely benign (3). 3 of the submissions do not count toward it. Last evaluated 2026-02-01.

Conditions:
Dilated cardiomyopathy 1G (CMD1G). Identifiers: Orphanet 154, MedGen C1858763, MONDO:0011400, OMIM 604145.
Autosomal recessive limb-girdle muscular dystrophy type 2J (LGMDR10). Also called: Limb-girdle muscular dystrophy, type 2J; MUSCULAR DYSTROPHY, LIMB-GIRDLE, AUTOSOMAL RECESSIVE 10. Identifiers: Orphanet 140922, MedGen C1837342, MONDO:0012127, OMIM 608807.

Allele frequency attached by ClinVar (database versions not stated): gnomAD 0.00001 and 0.00006; 1000 Genomes Project 30x 0.00047; ExAC 0.00078; gnomAD exomes 0.00037; 1000 Genomes Project 0.00040; TOPMed 0.00001.
gnomAD v4.1: 224 of 1,550,274 alleles (0.014%); highest among the groups gnomAD compares: South Asian, 0.24%; 1 homozygote.

Submissions (7):

Labcorp Genetics (formerly Invitae), Labcorp
Classification: Likely benign for Dilated cardiomyopathy 1G; Autosomal recessive limb-girdle muscular dystrophy type 2J. Last evaluated: 2026-02-01. Review status: criteria provided, single submitter. Criteria: Invitae Variant Classification Sherloc (09022015). Collection method: clinical testing. Allele origin: germline.

Molecular Diagnostic Laboratory for Inherited Cardiovascular Disease, Montreal Heart Institute
Classification: Likely benign. Last evaluated: 2025-04-09. Review status: criteria provided, single submitter. Criteria: ACMG Guidelines, 2015. Collection method: clinical testing. Allele origin: germline. Affected: no.

Blueprint Genetics
Classification: Likely benign. Last evaluated: 2024-11-19. Review status: criteria provided, single submitter. Criteria: ACMG Guidelines, 2015. Collection method: clinical testing. Allele origin: germline.

CeGaT Center for Human Genetics Tuebingen
Classification: Uncertain significance. Last evaluated: 2024-10-01. Review status: criteria provided, single submitter. Criteria: CeGaT Center For Human Genetics Tuebingen Variant Classification Criteria Version 2. Collection method: clinical testing. Allele origin: germline. Affected: yes. Observed: 1 variant allele.
Comment: TTN: PP3

Clinical Genetics, Academic Medical Center
Classification: Benign. Review status: no assertion criteria provided. Collection method: clinical testing. Allele origin: germline. Affected: yes. Study: VKGL Data-share Consensus. Not counted in ClinVar's aggregate classification.

Joint Genome Diagnostic Labs from Nijmegen and Maastricht, Radboudumc and MUMC+
Classification: Likely benign. Review status: no assertion criteria provided. Collection method: clinical testing. Allele origin: germline. Affected: yes. Study: VKGL Data-share Consensus. Not counted in ClinVar's aggregate classification.

Laboratory of Diagnostic Genome Analysis, Leiden University Medical Center (LUMC)
Classification: Likely benign. Review status: no assertion criteria provided. Collection method: clinical testing. Allele origin: germline. Affected: yes. Study: VKGL Data-share Consensus. Not counted in ClinVar's aggregate classification.

NM_001267550.2(TTN):c.39919G>T (p.Val13307Phe)

Gene: TTN (titin; minus strand). Cytogenetic location: 2q31.2.
Variant type: single nucleotide variant.
Coding change: c.39919G>T on transcript NM_001267550.2 (MANE Select); coding-DNA position 39919, G replaced by T.
Protein change: p.Val13307Phe; replaces valine 13307 with phenylalanine.
Molecular consequence: missense variant. On other transcripts: intron variant (5).
Genome position (GRCh38, 1-based): chr2:178,649,608, C>A on the plus strand (G>T on the coding strand, the complement: TTN is on the minus strand). VCF-style: chr2-178649608-C-A. GRCh37 (hg19) VCF-style: chr2-179514335-C-A.
Other names: c.13283-7291G>T (NM_003319.4); c.13859-7291G>T (NM_133437.4); c.13658-7291G>T (NM_133432.3); c.32593+209G>T (NM_133378.4); c.35374+209G>T (NM_001256850.1); short protein forms V13307F.
Identifiers: ClinVar variation 467113 (VCV000467113.30), dbSNP rs553280930, ClinGen allele CA1996555.